The following is an entry in ClinVar:

NM_015175.3(NBEAL2):c.7225-6C>T

Gene: NBEAL2 (neurobeachin like 2; plus strand). Cytogenetic location: 3p21.31.
Variant type: single nucleotide variant.
Coding change: c.7225-6C>T on transcript NM_015175.3 (MANE Select); 6 bases into the intron before coding-DNA position 7225, C replaced by T.
Molecular consequence: intron variant.
Genome position (GRCh38, 1-based): chr3:47,007,235, C>T. VCF-style: chr3-47007235-C-T. GRCh37 (hg19) VCF-style: chr3-47048725-C-T.
Other names: p.?; c.7123-6C>T (NM_001365116.2).
Identifiers: ClinVar variation 4684699 (VCV004684699.1).
Genomic context (GRCh38, chr3:47,007,235, plus strand): 5'-CCCCAGCTCAGCTCCACTCCCCCTTGCCTCTGCCAGAAACCCACCTCTGCCCCCTCCTGC[C>T]TGCAGGTGACTGTGAGTGCCAGTGGGCTGCTGGGCACCCACAGCTGGTTGCCCTATGACC-3'

ClinVar aggregate classification (germline): Likely benign (1 of 4 stars; one submission).

gnomAD v4.1: 21 of 1,611,316 alleles (0.0013%); highest among the groups gnomAD compares: Non-Finnish European, 0.0017%; no homozygotes.

Submission:

Mayo Clinic Laboratories, Mayo Clinic
Classification: Likely benign. Last evaluated: 2025-09-16. Review status: criteria provided, single submitter. Criteria: ACMG Guidelines, 2015. Collection method: clinical testing. Allele origin: germline. Observed: 1 variant allele.
Comment: BP4, BP7, PM2_supporting